The following is an entry in ClinVar:

NM_001286577.2(C2CD3):c.1996C>T (p.Arg666Ter)

Gene: C2CD3 (C2 domain containing 3 centriole elongation regulator; minus strand). Cytogenetic location: 11q13.4.
Variant type: single nucleotide variant.
Coding change: c.1996C>T on transcript NM_001286577.2 (MANE Select); coding-DNA position 1996, C replaced by T.
Protein change: p.Arg666Ter; replaces arginine 666 with a stop codon.
Molecular consequence: nonsense.
Genome position (GRCh38, 1-based): chr11:74,106,460, G>A on the plus strand (C>T on the coding strand, the complement: C2CD3 is on the minus strand). VCF-style: chr11-74106460-G-A. GRCh37 (hg19) VCF-style: chr11-73817505-G-A.
Other names: c.1996C>T, p.Arg666Ter (NM_015531.6); short protein forms R666*.
Identifiers: ClinVar variation 3014634 (VCV003014634.4), dbSNP rs1382351297, ClinGen allele CA381834931.

ClinVar aggregate classification (germline): Pathogenic. Review status: criteria provided, multiple submitters, no conflicts (2 of 4 stars). 2 submissions from 2 submitters: Pathogenic (2). Last evaluated 2024-04-10.

Conditions:
Orofaciodigital syndrome type 14. Also called: Orofaciodigital syndrome xiv. Identifiers: Orphanet 434179, MedGen C4706604, MONDO:0014413, OMIM 615948.

Allele frequency attached by ClinVar (database versions not stated): gnomAD exomes below 0.00001.
gnomAD v4.1: 5 of 1,613,594 alleles (0.00031%); highest among the groups gnomAD compares: Admixed American, 0.0033%; no homozygotes.

Submissions (2):

Women's Health and Genetics/Laboratory Corporation of America, LabCorp
Classification: Pathogenic for Orofaciodigital syndrome type 14. Last evaluated: 2024-04-10. Review status: criteria provided, single submitter. Criteria: LabCorp Variant Classification Summary - May 2015. Collection method: clinical testing. Allele origin: germline.
Comment: Variant summary: C2CD3 c.1996C>T (p.Arg666X) results in a premature termination codon, predicted to cause absence of the protein due to nonsense mediated decay, which is a commonly known mechanisms for disease. The variant allele was found at a frequency of 4e-06 in 250836 control chromosomes. To our knowledge, no occurrence of c.1996C>T in individuals affected with Orofaciodigital Syndrome Type 14 and no experimental evidence demonstrating its impact on protein function have been reported. ClinVar contains an entry for this variant (Variation ID: 3014634). Based on the evidence outlined above, the variant was classified as pathogenic.

Labcorp Genetics (formerly Invitae), Labcorp
Classification: Pathogenic. Last evaluated: 2024-03-28. Review status: criteria provided, single submitter. Criteria: Invitae Variant Classification Sherloc (09022015). Collection method: clinical testing. Allele origin: germline.
Comment: This sequence change creates a premature translational stop signal (p.Arg666*) in the C2CD3 gene. It is expected to result in an absent or disrupted protein product. Loss-of-function variants in C2CD3 are known to be pathogenic (PMID: 24997988, 26477546). This variant is present in population databases (no rsID available, gnomAD 0.003%). This variant has not been reported in the literature in individuals affected with C2CD3-related conditions. For these reasons, this variant has been classified as Pathogenic.

Literature cited by the submitters: PubMed 24997988 (cited by Labcorp Genetics (formerly Invitae), Labcorp); PubMed 26477546 (cited by Labcorp Genetics (formerly Invitae), Labcorp).